The following is an entry in ClinVar:

NM_016169.4(SUFU):c.1006G>A (p.Ala336Thr)

Gene: SUFU (SUFU negative regulator of hedgehog signaling; plus strand). Cytogenetic location: 10q24.32.
Variant type: single nucleotide variant.
Coding change: c.1006G>A on transcript NM_016169.4 (MANE Select); coding-DNA position 1006, G replaced by A.
Protein change: p.Ala336Thr; replaces alanine 336 with threonine.
Molecular consequence: missense variant.
Genome position (GRCh38, 1-based): chr10:102,599,528, G>A. VCF-style: chr10-102599528-G-A. GRCh37 (hg19) VCF-style: chr10-104359285-G-A.
Other names: c.1006G>A, p.Ala336Thr (NM_001178133.2); short protein forms A336T.
Identifiers: ClinVar variation 453947 (VCV000453947.14), dbSNP rs746448939, ClinGen allele CA5667834.

ClinVar aggregate classification (germline): Conflicting classifications of pathogenicity. Review status: criteria provided, conflicting classifications (1 of 4 stars). 4 submissions from 4 submitters: Uncertain significance (3); Likely benign (1). Last evaluated 2025-12-19.

Conditions:
Hereditary cancer-predisposing syndrome. Also called: Hereditary Cancer Syndrome; Hereditary neoplastic syndrome; Tumor predisposition; Neoplastic Syndromes, Hereditary. Identifiers: Orphanet 140162, MedGen C0027672, MeSH D009386, MONDO:0015356.
Gorlin syndrome. Also called: Basal cell nevus syndrome; Nevoid Basal Cell Carcinoma Syndrome. Identifiers: Orphanet 377, MedGen C0004779, MONDO:0007187.
Medulloblastoma (MDB). Also called: Medulloblastoma, somatic; MEDULLOBLASTOMA PREDISPOSITION SYNDROME. Identifiers: Orphanet 616, MedGen C0025149, MeSH D008527, MONDO:0007959, OMIM 155255, HP:0002885.

Allele frequency attached by ClinVar (database versions not stated): ExAC 0.00001; gnomAD 0.00002 and 0.00003; gnomAD exomes 0.00002; TOPMed 0.00002.
gnomAD v4.1: 34 of 1,613,966 alleles (0.0021%); highest among the groups gnomAD compares: Middle Eastern, 0.033%; no homozygotes.

Submissions (4):

Labcorp Genetics (formerly Invitae), Labcorp
Classification: Uncertain significance for Gorlin syndrome; Medulloblastoma. Last evaluated: 2025-12-19. Review status: criteria provided, single submitter. Criteria: Invitae Variant Classification Sherloc (09022015). Collection method: clinical testing. Allele origin: germline.
Comment: This sequence change replaces alanine, which is neutral and non-polar, with threonine, which is neutral and polar, at codon 336 of the SUFU protein (p.Ala336Thr). The frequency data for this variant in the population databases is considered unreliable, as metrics indicate poor data quality at this position in the gnomAD database. This variant has not been reported in the literature in individuals affected with SUFU-related conditions. ClinVar contains an entry for this variant (Variation ID: 453947). Invitae Evidence Modeling of protein sequence and biophysical properties (such as structural, functional, and spatial information, amino acid conservation, physicochemical variation, residue mobility, and thermodynamic stability) indicates that this missense variant is not expected to disrupt SUFU protein function with a negative predictive value of 80%. In summary, the available evidence is currently insufficient to determine the role of this variant in disease. Therefore, it has been classified as a Variant of Uncertain Significance.

Quest Diagnostics Nichols Institute San Juan Capistrano
Classification: Uncertain significance. Last evaluated: 2024-08-14. Review status: criteria provided, single submitter. Criteria: Quest Diagnostics criteria. Collection method: clinical testing. Allele origin: unknown.
Comment: The SUFU c.1006G>A (p.Ala336Thr) variant has been reported in the published literature in an individual with autism (PMID: 35982159, (2022)) and in an individual with developmental delay (PMID: 33057194, (2020)). The frequency of this variant in the general population, 0.000047 (6/128986 chromosomes (Genome Aggregation Database)), is uninformative in the assessment of its pathogenicity. Analysis of this variant using bioinformatics tools for the prediction of the effect of amino acid changes on protein structure and function yielded predictions that this variant is benign. Based on the available information, we are unable to determine the clinical significance of this variant.

GeneDx
Classification: Uncertain significance. Last evaluated: 2022-11-17. Review status: criteria provided, single submitter. Criteria: GeneDx Variant Classification Process June 2021. Collection method: clinical testing. Allele origin: germline. Affected: yes.
Comment: In silico analysis supports that this missense variant does not alter protein structure/function; Has not been previously published as pathogenic or benign to our knowledge; This variant is associated with the following publications: (PMID: 27535533, 24311597)

Ambry Genetics
Classification: Likely benign for Hereditary cancer-predisposing syndrome. Last evaluated: 2020-03-17. Review status: criteria provided, single submitter. Criteria: Ambry Variant Classification Scheme 2023. Collection method: clinical testing. Allele origin: germline.

Literature cited by the submitters: PubMed 35982159 (cited by Quest Diagnostics Nichols Institute San Juan Capistrano); PubMed 33057194 (cited by Quest Diagnostics Nichols Institute San Juan Capistrano).